The following is an entry in ClinVar:

NC_000015.9:g.(?_72662933)_72670877del

Gene: HEXA (hexosaminidase subunit alpha; minus strand).
Variant type: Deletion.
Identifiers: ClinVar variation 1070611 (VCV001070611.2).

ClinVar aggregate classification (germline): Pathogenic (1 of 4 stars; one submission).

Conditions:
Tay-Sachs disease (TSD). Also called: HEXA DEFICIENCY; HEXA Disorders; GM2 gangliosidosis, type 1; Hexosaminidase alpha-subunit deficiency (variant B); Sphingolipidosis, Tay-Sachs; Hexosaminidase A Deficiency. Identifiers: Orphanet 845, MedGen C0039373, MONDO:0010100, OMIM 272800.

Submission:

Labcorp Genetics (formerly Invitae), Labcorp
Classification: Pathogenic for Tay-Sachs disease. Last evaluated: 2018-12-11. Review status: criteria provided, single submitter. Criteria: Invitae Variant Classification Sherloc (09022015). Collection method: clinical testing. Allele origin: germline.
Comment: This variant is a gross deletion of the genomic region encompassing exon 1 of the HEXA gene, which includes the initiator codon. The 5' end of this event is unknown as it extends beyond the assayed region for this gene and therefore may encompass additional genes. The 3' boundary is likely confined to intron 1 of the HEXA gene. This is expected to result in an absent or disrupted protein product. Similar deletions¬†of exon 1 have been observed in individuals affected with Tay-Sachs disease (PMID:¬†29973161,¬†3754980). In at least one individual the data is consistent with the variant being in trans (on the opposite chromosome) from a pathogenic variant. Loss-of-function variants in HEXA are known to be pathogenic (PMID: 1833974, 8490625). For these reasons, this variant has been classified as Pathogenic.

Literature cited by the submitters: PubMed 29973161; PubMed 3754980; PubMed 1833974; PubMed 8490625.